The following is an entry in ClinVar:

NM_000478.6(ALPL):c.623T>C (p.Leu208Pro)

Gene: ALPL (alkaline phosphatase, biomineralization associated; plus strand). Cytogenetic location: 1p36.12.
Variant type: single nucleotide variant.
Coding change: c.623T>C on transcript NM_000478.6 (MANE Select); coding-DNA position 623, T replaced by C.
Protein change: p.Leu208Pro; replaces leucine 208 with proline.
Molecular consequence: missense variant.
Genome position (GRCh38, 1-based): chr1:21,564,191, T>C. VCF-style: chr1-21564191-T-C. GRCh37 (hg19) VCF-style: chr1-21890684-T-C.
Other names: c.458T>C, p.Leu153Pro (NM_001127501.4); c.392T>C, p.Leu131Pro (NM_001177520.3); c.623T>C, p.Leu208Pro (NM_001369803.2, NM_001369804.2, NM_001369805.2); short protein forms L131P, L153P, L208P.
Identifiers: ClinVar variation 5021084 (VCV005021084.1).

ClinVar aggregate classification (germline): Uncertain significance (1 of 4 stars; one submission).

Submission:

Dasa
Classification: Uncertain significance. Last evaluated: 2026-07-29. Review status: criteria provided, single submitter. Criteria: DASA Assertion Criteria. Collection method: clinical testing. Allele origin: germline.
Comment: NM_000478.6(ALPL):c.623T>C (p.Leu208Pro) is a missense variant that results in the substitution of leucine with proline. The affected residue or protein region has prior evidence supporting clinical relevance. This variant is rare in population databases. Computational prediction algorithms are consistent with a deleterious effect. The currently available literature and clinical evidence are not sufficient to establish a definitive association between this variant and the reported condition. Therefore, this variant is classified as a variant of uncertain significance.